The following is an entry in ClinVar:

NM_000217.3(KCNA1):c.953C>T (p.Thr318Ile)

Gene: KCNA1 (potassium voltage-gated channel subfamily A member 1; plus strand). Cytogenetic location: 12p13.32.
Variant type: single nucleotide variant.
Coding change: c.953C>T on transcript NM_000217.3 (MANE Select); coding-DNA position 953, C replaced by T.
Protein change: p.Thr318Ile; replaces threonine 318 with isoleucine.
Molecular consequence: missense variant.
Genome position (GRCh38, 1-based): chr12:4,912,331, C>T. VCF-style: chr12-4912331-C-T. GRCh37 (hg19) VCF-style: chr12-5021497-C-T.
Other names: short protein forms T318I.
Identifiers: ClinVar variation 2121975 (VCV002121975.4), dbSNP rs2497353469, ClinGen allele CA383455706.

ClinVar aggregate classification (germline): Uncertain significance (1 of 4 stars; one submission).

Conditions:
Episodic ataxia type 1 (EA1). Also called: ATAXIA, EPISODIC, WITH MYOKYMIA; MYOKYMIA WITH PERIODIC ATAXIA; PAROXYSMAL ATAXIA WITH NEUROMYOTONIA, HEREDITARY; Episodic ataxia/myokymia syndrome. Identifiers: Orphanet 37612, Orphanet 972, MedGen C1719788, MONDO:0008047, OMIM 160120.

Submission:

Labcorp Genetics (formerly Invitae), Labcorp
Classification: Uncertain significance for Episodic ataxia type 1. Last evaluated: 2022-04-06. Review status: criteria provided, single submitter. Criteria: Invitae Variant Classification Sherloc (09022015). Collection method: clinical testing. Allele origin: germline.
Comment: In summary, the available evidence is currently insufficient to determine the role of this variant in disease. Therefore, it has been classified as a Variant of Uncertain Significance. Advanced modeling of protein sequence and biophysical properties (such as structural, functional, and spatial information, amino acid conservation, physicochemical variation, residue mobility, and thermodynamic stability) performed at Invitae indicates that this missense variant is expected to disrupt KCNA1 protein function. This variant has not been reported in the literature in individuals affected with KCNA1-related conditions. This variant is not present in population databases (gnomAD no frequency). This sequence change replaces threonine, which is neutral and polar, with isoleucine, which is neutral and non-polar, at codon 318 of the KCNA1 protein (p.Thr318Ile).